The following is an entry in ClinVar:

NM_006767.4(LZTR1):c.2038G>C (p.Ala680Pro)

Gene: LZTR1 (leucine zipper like post translational regulator 1; plus strand). Cytogenetic location: 22q11.21.
Variant type: single nucleotide variant.
Coding change: c.2038G>C on transcript NM_006767.4 (MANE Select); coding-DNA position 2038, G replaced by C.
Protein change: p.Ala680Pro; replaces alanine 680 with proline.
Molecular consequence: missense variant.
Genome position (GRCh38, 1-based): chr22:20,995,841, G>C. VCF-style: chr22-20995841-G-C. GRCh37 (hg19) VCF-style: chr22-21350130-G-C.
Other names: short protein forms A680P.
Identifiers: ClinVar variation 837777 (VCV000837777.3), dbSNP rs1924819890, ClinGen allele CA410779111.

ClinVar aggregate classification (germline): Uncertain significance. Review status: criteria provided, multiple submitters, no conflicts (2 of 4 stars). 2 submissions from 2 submitters: Uncertain significance (2). Last evaluated 2022-01-31.

Conditions:
Cardiovascular phenotype. Identifiers: MedGen CN230736.
Hereditary cancer-predisposing syndrome. Also called: Neoplastic Syndromes, Hereditary; Tumor predisposition; Hereditary neoplastic syndrome; Hereditary Cancer Syndrome. Identifiers: Orphanet 140162, MedGen C0027672, MeSH D009386, MONDO:0015356.

Allele frequency attached by ClinVar (database versions not stated): gnomAD exomes below 0.00001.
gnomAD v4.1: 2 of 1,613,214 alleles (0.00012%); highest among the groups gnomAD compares: Non-Finnish European, 0.00017%; no homozygotes.

Submissions (2):

Ambry Genetics
Classification: Uncertain significance for Cardiovascular phenotype; Hereditary cancer-predisposing syndrome. Last evaluated: 2022-01-31. Review status: criteria provided, single submitter. Criteria: Ambry Variant Classification Scheme 2023. Collection method: clinical testing. Allele origin: germline.
Comment: The p.A680P variant (also known as c.2038G>C), located in coding exon 17 of the LZTR1 gene, results from a G to C substitution at nucleotide position 2038. The alanine at codon 680 is replaced by proline, an amino acid with highly similar properties. This amino acid position is highly conserved in available vertebrate species. In addition, this alteration is predicted to be deleterious by in silico analysis. Since supporting evidence is limited at this time, the clinical significance of this alteration remains unclear.

Labcorp Genetics (formerly Invitae), Labcorp
Classification: Uncertain significance. Last evaluated: 2019-12-27. Review status: criteria provided, single submitter. Criteria: Invitae Variant Classification Sherloc (09022015). Collection method: clinical testing. Allele origin: germline.
Comment: This sequence change replaces alanine with proline at codon 680 of the LZTR1 protein (p.Ala680Pro). The alanine residue is highly conserved and there is a small physicochemical difference between alanine and proline. This variant is not present in population databases (ExAC no frequency). This variant has not been reported in the literature in individuals with LZTR1-related conditions. Algorithms developed to predict the effect of missense changes on protein structure and function (SIFT, PolyPhen-2, Align-GVGD) all suggest that this variant is likely to be disruptive, but these predictions have not been confirmed by published functional studies and their clinical significance is uncertain. In summary, the available evidence is currently insufficient to determine the role of this variant in disease. Therefore, it has been classified as a Variant of Uncertain Significance.